The following is an entry in ClinVar:

NM_153717.3(EVC):c.579_596dup (p.Pro199_Glu200insArgValAsnAlaPhePro)

Gene: EVC (EvC ciliary complex subunit 1; plus strand). Cytogenetic location: 4p16.2.
Variant type: Duplication.
Coding change: c.579_596dup on transcript NM_153717.3 (MANE Select); coding-DNA positions 579 to 596, 18 bases duplicated (CCGGGTGAACGCCTTCCC).
Protein change: p.Pro199_Glu200insArgValAsnAlaPhePro.
Molecular consequence: inframe insertion.
Genome position (GRCh38, 1-based): chr4:5,731,619-5,731,636, CCGGGTGAACGCCTTCCC duplicated. VCF-style (leftmost placement, unchanged base first): chr4-5731618-T-TCCGGGTGAACGCCTTCCC. GRCh37 (hg19) VCF-style: chr4-5733345-T-TCCGGGTGAACGCCTTCCC.
Other names: c.579_596dup, p.Pro199_Glu200insArgValAsnAlaPhePro (NM_001306090.2, NM_001306092.2).
Identifiers: ClinVar variation 5003467 (VCV005003467.1).
Genomic context (GRCh38, chr4:5,731,618, plus strand): 5'-GCTCCTCATCCAGCGTCCACTCGGCCACCAGCGATGACAGGTTTCTCAGCCGCACCTTCC[T>TCCGGGTGAACGCCTTCCC]CCGGGTGAACGCCTTCCCTGAAGTGCTGGCCTGCGAGAGGTAAGGAGAGCGGGCAATGGA-3'

ClinVar aggregate classification (germline): Uncertain significance (1 of 4 stars; one submission).

Conditions:
Ellis-van Creveld syndrome (EVC). Also called: Chondroectodermal dysplasia; MESOECTODERMAL DYSPLASIA. Identifiers: Orphanet 289, MedGen C0013903, MONDO:0009162, OMIM 225500.

Submission:

Myriad Genetics, Inc.
Classification: Uncertain significance for Ellis-van Creveld syndrome. Last evaluated: 2026-01-29. Review status: criteria provided, single submitter. Criteria: Myriad Autosomal Dominant, Autosomal Recessive and X-Linked Classification Criteria (2023). Collection method: clinical testing. Allele origin: unknown.
Comment: NM_153717.2(EVC):c.579_596dup18(R194_P199dup) is an in-frame insertion classified as a variant of uncertain significance in the context of EVC-related Ellis-van Creveld syndrome. R194_P199dup has not been observed in cases with relevant disease. Relevant functional assessments of this variant are not available in the literature. R194_P199dup has been observed in referenced population frequency databases. In summary, there is insufficient evidence to classify NM_153717.2(EVC):c.579_596dup18(R194_P199dup) as pathogenic or benign. Please note: this variant was assessed in the context of healthy population screening.